The following is an entry in ClinVar:

ClinVar aggregate classification (germline): Uncertain significance (1 of 4 stars; one submission).

gnomAD v4.1: 1 of 1,614,010 alleles (0.000062%); highest among the groups gnomAD compares: African/African-American, 0.0013%; no homozygotes.

Submission:

Labcorp Genetics (formerly Invitae), Labcorp
Classification: Uncertain significance. Last evaluated: 2025-08-03. Review status: criteria provided, single submitter. Criteria: Invitae Variant Classification Sherloc (09022015). Collection method: clinical testing. Allele origin: germline.
Comment: This sequence change replaces glycine, which is neutral and non-polar, with arginine, which is basic and polar, at codon 240 of the APOA4 protein (p.Gly240Arg). This variant is present in population databases (rs777480921, gnomAD 0.007%). This variant has not been reported in the literature in individuals affected with APOA4-related conditions. Invitae Evidence Modeling of protein sequence and biophysical properties (such as structural, functional, and spatial information, amino acid conservation, physicochemical variation, residue mobility, and thermodynamic stability) has been performed for this missense variant. However, the output from this modeling did not meet the statistical confidence thresholds required to predict the impact of this variant on APOA4 protein function. In summary, the available evidence is currently insufficient to determine the role of this variant in disease. Therefore, it has been classified as a Variant of Uncertain Significance.

NM_000482.4(APOA4):c.718G>C (p.Gly240Arg)

Gene: APOA4 (apolipoprotein A4; minus strand). Cytogenetic location: 11q23.3.
Variant type: single nucleotide variant.
Coding change: c.718G>C on transcript NM_000482.4 (MANE Select); coding-DNA position 718, G replaced by C.
Protein change: p.Gly240Arg; replaces glycine 240 with arginine.
Molecular consequence: missense variant.
Genome position (GRCh38, 1-based): chr11:116,821,340, C>G on the plus strand (G>C on the coding strand, the complement: APOA4 is on the minus strand). VCF-style: chr11-116821340-C-G. GRCh37 (hg19) VCF-style: chr11-116692056-C-G.
Other names: short protein forms G240R.
Identifiers: ClinVar variation 4777788 (VCV004777788.1).